The following is an entry in ClinVar:

ClinVar aggregate classification (germline): Benign. Review status: criteria provided, multiple submitters, no conflicts (2 of 4 stars). 2 submissions from 2 submitters: Benign (2). Last evaluated 2018-06-19.

Allele frequency attached by ClinVar (database versions not stated): gnomAD 0.20954 and 0.21625; TOPMed 0.21549; gnomAD exomes 0.24525; 1000 Genomes Project 30x 0.26671; 1000 Genomes Project 0.27336.
gnomAD v4.1: 368,052 of 1,514,676 alleles (24%); highest among the groups gnomAD compares: East Asian, 57%; 47,832 homozygotes.

Submissions (2):

GeneDx
Classification: Benign. Last evaluated: 2018-06-19. Review status: criteria provided, single submitter. Criteria: GeneDx Variant Classification (06012015). Collection method: clinical testing. Allele origin: germline. Affected: yes.
Comment: This variant is considered likely benign or benign based on one or more of the following criteria: it is a conservative change, it occurs at a poorly conserved position in the protein, it is predicted to be benign by multiple in silico algorithms, and/or has population frequency not consistent with disease.

Breakthrough Genomics
Classification: Benign. Review status: criteria provided, single submitter. Criteria: ACMG Guidelines, 2015. Collection method: not provided. Allele origin: germline. Inheritance: Autosomal recessive inheritance. Affected: yes.

NM_000512.5(GALNS):c.244+86G>A

Gene: GALNS (galactosamine (N-acetyl)-6-sulfatase; minus strand). Cytogenetic location: 16q24.3.
Variant type: single nucleotide variant.
Coding change: c.244+86G>A on transcript NM_000512.5 (MANE Select); 86 bases into the intron after coding-DNA position 244, G replaced by A.
Molecular consequence: intron variant.
Genome position (GRCh38, 1-based): chr16:88,842,620, C>T on the plus strand (G>A on the coding strand, the complement: GALNS is on the minus strand). VCF-style: chr16-88842620-C-T. GRCh37 (hg19) VCF-style: chr16-88909028-C-T.
Other names: c.-311-649G>A (NM_001323543.2); c.262+86G>A (NM_001323544.2).
Identifiers: ClinVar variation 672055 (VCV000672055.2), dbSNP rs71395332, ClinGen allele CA14305879.
Genomic context (GRCh38, chr16:88,842,620, plus strand): 5'-AGGCCTGAGCCCACCTGCCACCCTCCCTGCAGTAGTAGGAATAGACAAGGTTGATGCAGC[C>T]GCCCAGAGTCAGGGCTGGAAGGACCCGGGAGGCCTCGGCCTGTTGGGCTCACCCCTTCCT-3'